The following is an entry in ClinVar:

ClinVar aggregate classification (germline): Likely pathogenic (1 of 4 stars; one submission).

Conditions:
Pontocerebellar hypoplasia type 1A (PCH1A). Also called: PONTOCEREBELLAR HYPOPLASIA WITH ANTERIOR HORN CELL DISEASE; PONTOCEREBELLAR HYPOPLASIA WITH INFANTILE SPINAL MUSCULAR ATROPHY. Identifiers: Orphanet 2254, Orphanet 88616, MedGen C1843504, MONDO:0011866, OMIM 607596.

Submission:

Natera, Inc.
Classification: Likely pathogenic for Pontocerebellar hypoplasia, type 1a. Last evaluated: 2024-12-24. Review status: criteria provided, single submitter. Criteria: Natera Variant Classification Schema (03/2026). Collection method: clinical testing. Allele origin: germline.
Comment: The c.1068+1G>A variant in VRK1 is a canonical splice donor site variant predicted to affect pre-mRNA splicing, which may result in an abnormal transcript and altered protein product. This variant is expected to result in nonsense mediated decay, truncation, or a dysfunctional protein product. This variant is rare in the general population with a frequency below the threshold expected for the associated phenotype(s). Given the available evidence, this variant is classified as Likely Pathogenic.

NM_003384.3(VRK1):c.1068+1G>A

Gene: VRK1 (VRK serine/threonine kinase 1; plus strand). Cytogenetic location: 14q32.2.
Variant type: single nucleotide variant.
Coding change: c.1068+1G>A on transcript NM_003384.3 (MANE Select); the canonical splice donor site of the intron after coding-DNA position 1068, G replaced by A.
Molecular consequence: splice donor variant.
Genome position (GRCh38, 1-based): chr14:96,860,736, G>A. VCF-style: chr14-96860736-G-A. GRCh37 (hg19) VCF-style: chr14-97327073-G-A.
Other names: c.1068+1G>A (NM_001411051.1, NM_001411053.1).
Identifiers: ClinVar variation 4815112 (VCV004815112.1), dbSNP rs869312959.